The following is an entry in ClinVar:

NM_000018.4(ACADVL):c.1827+1G>A

Gene: ACADVL (acyl-CoA dehydrogenase very long chain; plus strand). Cytogenetic location: 17p13.1.
Variant type: single nucleotide variant.
Coding change: c.1827+1G>A on transcript NM_000018.4 (MANE Select); the canonical splice donor site of the intron after coding-DNA position 1827, G replaced by A.
Molecular consequence: splice donor variant.
Genome position (GRCh38, 1-based): chr17:7,224,885, G>A. VCF-style: chr17-7224885-G-A. GRCh37 (hg19) VCF-style: chr17-7128204-G-A.
Other names: NM_001270448.2:c.1599+1G>A; c.1896+1G>A (NM_001270447.2); c.1599+1G>A (NM_001270448.2); c.1761+1G>A (NM_001033859.3); c.1827+1G>A (NM_000018.3).
Identifiers: ClinVar variation 3252078 (VCV003252078.4), dbSNP rs2508371476.

ClinVar aggregate classification (germline): Pathogenic. Review status: reviewed by expert panel (3 of 4 stars). 2 submissions from 2 submitters: Pathogenic (1). 1 of the submissions does not count toward it. Last evaluated 2024-04-09.

Conditions:
Very long chain acyl-CoA dehydrogenase deficiency (ACADVLD). Also called: VLCAD Deficiency; Very Long-Chain Acyl-Coenzyme A Dehydrogenase Deficiency. Identifiers: Orphanet 26793, MedGen C3887523, MONDO:0008723, OMIM 201475.

Submissions (2):

ClinGen ACADVL Variant Curation Expert Panel, ClinGen
Classification: Pathogenic for Very long chain acyl-CoA dehydrogenase deficiency. Last evaluated: 2024-04-09. Review status: reviewed by expert panel. Criteria: clingen acadvl acmg specifications v1. Collection method: curation. Allele origin: germline. Inheritance: Autosomal recessive inheritance.
Comment: The c.1827+1G>A (NM_000018.4) variant in ACADVL occurs within the canonical splice donor/acceptor site (+/- 1,2) of intron 19. It is predicted to cause skipping of biologically-relevant-exon 19/20, resulting in a frameshift leading to nonsense mediated decay in a gene in which loss-of-function is an established disease mechanism (PVS1; PMIDs 9973285, 11590124). At least one patient with this variant displayed a positive newborn screen followed by reduced very long chain acyl-CoA dehydrogenase (VLCAD) enzyme activity, which is highly specific for VLCAD deficiency (PP4_Moderate, PMID: 30194637). This variant is absent from gnomAD v2.1.1 (PM2_Supporting). In summary, this variant meets the criteria to be classified as pathogenic for autosomal recessive VLCAD deficiency based on the ACMG/AMP criteria applied, as specified by the ClinGen ACADVL Variant Curation Expert Panel: PVS1, PM2_Supporting, PP4_Moderate (ACADVL VCEP specifications version 1; approved November 9, 2021).

Natera, Inc.
Classification: Likely pathogenic for Very long chain acyl-CoA dehydrogenase deficiency. Last evaluated: 2024-06-24. Review status: criteria provided, single submitter. Criteria: Natera Variant Classification Schema (03/2026). Collection method: clinical testing. Allele origin: germline. Not counted in ClinVar's aggregate classification.
Comment: The c.1827+1G>A variant in ACADVL is a canonical splice donor site variant predicted to affect pre-mRNA splicing, which may result in an abnormal transcript and altered protein product. This variant is expected to result in nonsense mediated decay, truncation, or a dysfunctional protein product. This variant is rare in the general population with a frequency below the threshold expected for the associated phenotype(s). Given the available evidence, this variant is classified as Likely Pathogenic.